The following is an entry in ClinVar:

NM_033225.6(CSMD1):c.885C>T (p.Thr295=)

Gene: CSMD1 (CUB and Sushi multiple domains 1; minus strand). Cytogenetic location: 8p23.2.
Variant type: single nucleotide variant.
Coding change: c.885C>T on transcript NM_033225.6 (MANE Select); coding-DNA position 885, C replaced by T.
Protein change: p.Thr295=; no amino-acid change (threonine 295 retained).
Molecular consequence: synonymous variant.
Genome position (GRCh38, 1-based): chr8:3,753,976, G>A on the plus strand (C>T on the coding strand, the complement: CSMD1 is on the minus strand). VCF-style: chr8-3753976-G-A. GRCh37 (hg19) VCF-style: chr8-3611498-G-A.
Identifiers: ClinVar variation 3048669 (VCV003048669.2), dbSNP rs185596078, ClinGen allele CA4609343.

ClinVar aggregate classification (germline): Likely benign (0 of 4 stars; one submission).

Conditions:
CSMD1-related disorder. Also called: CSMD1-related condition.

Allele frequency attached by ClinVar (database versions not stated): 1000 Genomes Project 30x 0.00062; 1000 Genomes Project 0.00080.
gnomAD v4.1: 266 of 1,612,928 alleles (0.016%); highest among the groups gnomAD compares: East Asian, 0.58%; 2 homozygotes.

Submission:

PreventionGenetics, part of Exact Sciences
Classification: Likely benign for CSMD1-related condition. Last evaluated: 2019-03-20. Review status: no assertion criteria provided. Collection method: clinical testing. Allele origin: germline.
Comment: This variant is classified as likely benign based on ACMG/AMP sequence variant interpretation guidelines (Richards et al. 2015 PMID: 25741868, with internal and published modifications).